The following is an entry in ClinVar:

NM_145207.3(AFG2A):c.998A>G (p.Asn333Ser)

Gene: AFG2A (AFG2 AAA ATPase homolog A; plus strand). Cytogenetic location: 4q28.1.
Variant type: single nucleotide variant.
Coding change: c.998A>G on transcript NM_145207.3 (MANE Select); coding-DNA position 998, A replaced by G.
Protein change: p.Asn333Ser; replaces asparagine 333 with serine.
Molecular consequence: missense variant.
Genome position (GRCh38, 1-based): chr4:122,934,589, A>G. VCF-style: chr4-122934589-A-G. GRCh37 (hg19) VCF-style: chr4-123855744-A-G.
Other names: c.995A>G, p.Asn332Ser (NM_001317799.2, NM_001345856.2); short protein forms N332S, N333S.
Identifiers: ClinVar variation 665848 (VCV000665848.4), dbSNP rs1475303519, ClinGen allele CA358102902.

ClinVar aggregate classification (germline): Uncertain significance. Review status: criteria provided, multiple submitters, no conflicts (2 of 4 stars). 2 submissions from 2 submitters: Uncertain significance (2). Last evaluated 2023-01-24.

Conditions:
Inborn genetic diseases. Identifiers: MedGen C0950123, MeSH D030342.
Microcephaly-intellectual disability-sensorineural hearing loss-epilepsy-abnormal muscle tone syndrome (NEDHSB). Also called: NEURODEVELOPMENTAL DISORDER WITH HEARING LOSS, SEIZURES, AND BRAIN ABNORMALITIES. Identifiers: Orphanet 457351, MedGen C4225276, MONDO:0014698, OMIM 616577.

Allele frequency attached by ClinVar (database versions not stated): gnomAD exomes below 0.00001; gnomAD 0.00002; TOPMed 0.00002.
gnomAD v4.1: 4 of 1,613,946 alleles (0.00025%); highest among the groups gnomAD compares: East Asian, 0.0045%; no homozygotes.

Submissions (2):

Ambry Genetics
Classification: Uncertain significance for Inborn genetic diseases. Last evaluated: 2023-01-24. Review status: criteria provided, single submitter. Criteria: Ambry Variant Classification Scheme 2023. Collection method: clinical testing. Allele origin: germline.

Labcorp Genetics (formerly Invitae), Labcorp
Classification: Uncertain significance for Microcephaly-intellectual disability-sensorineural hearing loss-epilepsy-abnormal muscle tone syndrome. Last evaluated: 2021-08-27. Review status: criteria provided, single submitter. Criteria: Invitae Variant Classification Sherloc (09022015). Collection method: clinical testing. Allele origin: germline.
Comment: This sequence change replaces asparagine with serine at codon 333 of the SPATA5 protein (p.Asn333Ser). The asparagine residue is moderately conserved and there is a small physicochemical difference between asparagine and serine. This variant is not present in population databases (ExAC no frequency). This variant has not been reported in the literature in individuals affected with SPATA5-related conditions. Algorithms developed to predict the effect of missense changes on protein structure and function output the following: SIFT: "Tolerated"; PolyPhen-2: "Benign"; Align-GVGD: "Class C0". The serine amino acid residue is found in multiple mammalian species, which suggests that this missense change does not adversely affect protein function. In summary, the available evidence is currently insufficient to determine the role of this variant in disease. Therefore, it has been classified as a Variant of Uncertain Significance.